The following is an entry in ClinVar:

ClinVar aggregate classification (germline): Uncertain significance. Review status: criteria provided, multiple submitters, no conflicts (2 of 4 stars). 2 submissions from 2 submitters: Uncertain significance (2). Last evaluated 2025-08-17.

Conditions:
Inborn genetic diseases. Identifiers: MedGen C0950123, MeSH D030342.

Allele frequency attached by ClinVar (database versions not stated): ExAC 0.00002; TOPMed 0.00003; gnomAD 0.00004; gnomAD exomes 0.00008.
gnomAD v4.1: 125 of 1,613,486 alleles (0.0077%); highest among the groups gnomAD compares: Non-Finnish European, 0.01%; no homozygotes.

Submissions (2):

Labcorp Genetics (formerly Invitae), Labcorp
Classification: Uncertain significance. Last evaluated: 2025-08-17. Review status: criteria provided, single submitter. Criteria: Invitae Variant Classification Sherloc (09022015). Collection method: clinical testing. Allele origin: germline.
Comment: This sequence change replaces glycine, which is neutral and non-polar, with serine, which is neutral and polar, at codon 1484 of the ATR protein (p.Gly1484Ser). This variant is present in population databases (rs753955358, gnomAD 0.007%). This variant has not been reported in the literature in individuals affected with ATR-related conditions. ClinVar contains an entry for this variant (Variation ID: 2050609). An algorithm developed to predict the effect of missense changes on protein structure and function (PolyPhen-2) suggests that this variant is likely to be tolerated. In summary, the available evidence is currently insufficient to determine the role of this variant in disease. Therefore, it has been classified as a Variant of Uncertain Significance.

Ambry Genetics
Classification: Uncertain significance for Inborn genetic diseases. Last evaluated: 2023-12-31. Review status: criteria provided, single submitter. Criteria: Ambry Variant Classification Scheme 2023. Collection method: clinical testing. Allele origin: germline.

NM_001184.4(ATR):c.4450G>A (p.Gly1484Ser)

Gene: ATR (ATR checkpoint kinase; minus strand). Cytogenetic location: 3q23.
Variant type: single nucleotide variant.
Coding change: c.4450G>A on transcript NM_001184.4 (MANE Select); coding-DNA position 4450, G replaced by A.
Protein change: p.Gly1484Ser; replaces glycine 1484 with serine.
Molecular consequence: missense variant.
Genome position (GRCh38, 1-based): chr3:142,515,448, C>T on the plus strand (G>A on the coding strand, the complement: ATR is on the minus strand). VCF-style: chr3-142515448-C-T. GRCh37 (hg19) VCF-style: chr3-142234290-C-T.
Other names: c.4450G>A (NM_001184.3); c.4258G>A, p.Gly1420Ser (NM_001354579.2); short protein forms G1420S, G1484S.
Identifiers: ClinVar variation 2050609 (VCV002050609.5), dbSNP rs753955358, ClinGen allele CA2649848.